The following is an entry in ClinVar:

ClinVar aggregate classification (germline): Benign (0 of 4 stars; one submission).

Conditions:
DCHS2-related disorder. Also called: DCHS2-related condition.

Allele frequency attached by ClinVar (database versions not stated): 1000 Genomes Project 30x 0.00219.
gnomAD v4.1: 1,159 of 1,551,546 alleles (0.075%); highest among the groups gnomAD compares: African/African-American, 1.1%; 12 homozygotes.

Submission:

PreventionGenetics, part of Exact Sciences
Classification: Benign for DCHS2-related condition. Last evaluated: 2022-06-12. Review status: no assertion criteria provided. Collection method: clinical testing. Allele origin: germline.
Comment: This variant is classified as benign based on ACMG/AMP sequence variant interpretation guidelines (Richards et al. 2015 PMID: 25741868, with internal and published modifications).

NM_001358235.2(DCHS2):c.496C>G (p.Arg166Gly)

Gene: DCHS2 (dachsous cadherin-related 2; minus strand). Cytogenetic location: 4q31.3.
Variant type: single nucleotide variant.
Coding change: c.496C>G on transcript NM_001358235.2 (MANE Select); coding-DNA position 496, C replaced by G.
Protein change: p.Arg166Gly; replaces arginine 166 with glycine.
Molecular consequence: missense variant.
Genome position (GRCh38, 1-based): chr4:154,490,860, G>C on the plus strand (C>G on the coding strand, the complement: DCHS2 is on the minus strand). VCF-style: chr4-154490860-G-C. GRCh37 (hg19) VCF-style: chr4-155412012-G-C.
Other names: c.496C>G, p.Arg166Gly (NM_001142552.2, NM_001412223.1); short protein forms R166G.
Identifiers: ClinVar variation 3042587 (VCV003042587.2), dbSNP rs17031725, ClinGen allele CA3113899.
Genomic context (GRCh38, chr4:154,490,860, plus strand): 5'-AGGCGGTCCCTGGCGGGCTGAGCTCGGAGACGTCGAGTTGCAGGGAGTCGAGGGGAAAGC[G>C]GGGCGAGTGGTCATTCACGTCGTTGACGCGAATCTCCACCTGCACCACAGCGCCCAGCAG-3'
Protein context (NP_001345164.1, residues 156-176): RVNDVNDHSP[Arg166Gly]FPLDSLQLDV